The following is an entry in ClinVar:

ClinVar aggregate classification (germline): Uncertain significance (1 of 4 stars; one submission).

Conditions:
PMM2-congenital disorder of glycosylation. Also called: CDG Ia; JAEKEN SYNDROME; Congenital disorder of glycosylation, type Ia; PMM2-CDG; PHOSPHOMANNOMUTASE 2 DEFICIENCY; CARBOHYDRATE-DEFICIENT GLYCOPROTEIN SYNDROME, TYPE Ia. Identifiers: Orphanet 79318, MedGen C0349653, MONDO:0008907, OMIM 212065.

gnomAD v4.1: 4 of 1,610,288 alleles (0.00025%); highest among the groups gnomAD compares: Non-Finnish European, 0.00034%; no homozygotes.

Submission:

Labcorp Genetics (formerly Invitae), Labcorp
Classification: Uncertain significance for Congenital disorder of glycosylation, type Ia. Last evaluated: 2019-07-12. Review status: criteria provided, single submitter. Criteria: Invitae Variant Classification Sherloc (09022015). Collection method: clinical testing. Allele origin: germline.
Comment: This sequence change replaces leucine with phenylalanine at codon 170 of the PMM2 protein (p.Leu170Phe). The leucine residue is highly conserved and there is a small physicochemical difference between leucine and phenylalanine. This variant is not present in population databases (ExAC no frequency). This variant has not been reported in the literature in individuals with PMM2-related conditions. Algorithms developed to predict the effect of missense changes on protein structure and function are either unavailable or do not agree on the potential impact of this missense change (SIFT: "Deleterious"; PolyPhen-2: "Possibly Damaging"; Align-GVGD: "Class C0"). In summary, the available evidence is currently insufficient to determine the role of this variant in disease. Therefore, it has been classified as a Variant of Uncertain Significance.

NM_000303.3(PMM2):c.508C>T (p.Leu170Phe)

Gene: PMM2 (phosphomannomutase 2; plus strand). Cytogenetic location: 16p13.2.
Variant type: single nucleotide variant.
Coding change: c.508C>T on transcript NM_000303.3 (MANE Select); coding-DNA position 508, C replaced by T.
Protein change: p.Leu170Phe; replaces leucine 170 with phenylalanine.
Molecular consequence: missense variant.
Genome position (GRCh38, 1-based): chr16:8,811,698, C>T. VCF-style: chr16-8811698-C-T. GRCh37 (hg19) VCF-style: chr16-8905555-C-T.
Other names: short protein forms L170F.
Identifiers: ClinVar variation 944767 (VCV000944767.1), dbSNP rs183384745, ClinGen allele CA394697115.
Genomic context (GRCh38, chr16:8,811,698, plus strand): 5'-AAAGAAAATATAAGACAAAAGTTTGTAGCAGATCTACGGAAAGAGTTTGCTGGAAAAGGC[C>T]TCACGTTTTCCATAGGTATTGTATATATTGCCTGTGTTCCAAACTTGGATACCCATTTCC-3'
Protein context (NP_000294.1, residues 160-180): DLRKEFAGKG[Leu170Phe]TFSIGGQISF